The following is an entry in ClinVar:

ClinVar aggregate classification (germline): Uncertain significance (1 of 4 stars; one submission).

Conditions:
Hereditary cancer-predisposing syndrome. Also called: Neoplastic Syndromes, Hereditary; Tumor predisposition; Hereditary neoplastic syndrome; Hereditary Cancer Syndrome. Identifiers: Orphanet 140162, MedGen C0027672, MeSH D009386, MONDO:0015356.

Submission:

Ambry Genetics
Classification: Uncertain significance for Hereditary cancer-predisposing syndrome. Last evaluated: 2026-09-14. Review status: criteria provided, single submitter. Criteria: Ambry Variant Classification Scheme 2023. Collection method: clinical testing. Allele origin: germline.
Comment: The p.F2276V variant (also known as c.6826T>G), located in coding exon 46 of the ATM gene, results from a T to G substitution at nucleotide position 6826. The phenylalanine at codon 2276 is replaced by valine, an amino acid with highly similar properties. In an assay testing ATM function, this variant showed a functionally indeterminant result (Lee KS et al. Cell, 2025 Sep;188:5081-5099.e27). This amino acid position is well conserved in available vertebrate species. In addition, the in silico prediction for this alteration is inconclusive. Based on the available evidence, the clinical significance of this variant remains unclear.

Literature cited by the submitters: PubMed 40580951.

NM_000051.4(ATM):c.6826T>G (p.Phe2276Val)

Genes: ATM (ATM serine/threonine kinase; plus strand), C11orf65 (chromosome 11 open reading frame 65; minus strand). Cytogenetic location: 11q22.3.
Variant type: single nucleotide variant.
Coding change: c.6826T>G on transcript NM_000051.4 (MANE Select); coding-DNA position 6826, T replaced by G.
Protein change: p.Phe2276Val; replaces phenylalanine 2276 with valine.
Molecular consequence: missense variant. On other transcripts: intron variant (2).
Genome position (GRCh38, 1-based): chr11:108,326,076, T>G. VCF-style: chr11-108326076-T-G. GRCh37 (hg19) VCF-style: chr11-108196803-T-G.
Other names: c.6826T>G, p.Phe2276Val (NM_001351834.2); c.641-17005A>C (NM_001330368.2); c.*38+9144A>C (NM_001351110.2); short protein forms F2276V.
Identifiers: ClinVar variation 5032325 (VCV005032325.1).
Genomic context (GRCh38, chr11:108,326,076, plus strand): 5'-AGTAGTAAAAGTATTTATTCCCATATGTCATTTTCATTTCAGCTCCCTGAAAGGGCAATA[T>G]TTCAAATTAAACAGTACAATTCAGTTAGCTGTGGAGTCTCTGAGTGGCAGCTGGAAGAAG-3'
Protein context (NP_000042.3, residues 2266-2286): KNTQLPERAI[Phe2276Val]QIKQYNSVSC